The following is an entry in ClinVar:

NM_000996.4(RPL35A):c.279T>C (p.Pro93=)

Genes: DRC9 (dynein regulatory complex subunit 9; minus strand), RPL35A (ribosomal protein L35a; plus strand). Cytogenetic location: 3q29.
Variant type: single nucleotide variant.
Coding change: c.279T>C on transcript NM_000996.4 (MANE Select); coding-DNA position 279, T replaced by C.
Protein change: p.Pro93=; no amino-acid change (proline 93 retained).
Molecular consequence: synonymous variant. On other transcripts: intron variant (3).
Genome position (GRCh38, 1-based): chr3:197,954,117, T>C. VCF-style: chr3-197954117-T-C. GRCh37 (hg19) VCF-style: chr3-197680988-T-C.
Other names: p.Pro93=; c.279T>C (NM_000996.2); c.279T>C, p.Pro93= (NM_001316311.2); c.-50+5412A>G (NM_001323028.2); c.-60+5412A>G (NM_032263.5); c.-375+5412A>G (NM_001323029.2).
Identifiers: ClinVar variation 4684773 (VCV004684773.2).

ClinVar aggregate classification (germline): Likely benign. Review status: criteria provided, multiple submitters, no conflicts (2 of 4 stars). 2 submissions from 2 submitters: Likely benign (2). Last evaluated 2025-08-11.

Conditions:
RPL35A-related disorder. Also called: RPL35A-related condition.

Submissions (2):

Mayo Clinic Laboratories, Mayo Clinic
Classification: Likely benign. Last evaluated: 2025-08-11. Review status: criteria provided, single submitter. Criteria: ACMG Guidelines, 2015. Collection method: clinical testing. Allele origin: germline. Observed: 1 variant allele.
Comment: BP4, BP7

PreventionGenetics, part of Exact Sciences
Classification: Likely benign for RPL35A-related condition. Last evaluated: 2025-03-19. Review status: criteria provided, single submitter. Criteria: ACMG Guidelines, 2015. Collection method: clinical testing. Allele origin: germline.
Comment: This variant is classified as likely benign based on ACMG/AMP sequence variant interpretation guidelines (Richards et al. 2015 PMID: 25741868, with internal and published modifications).